The following is an entry in ClinVar:

NM_001111.5(ADAR):c.1874A>G (p.Lys625Arg)

Gene: ADAR (adenosine deaminase RNA specific; minus strand). Cytogenetic location: 1q21.3.
Variant type: single nucleotide variant.
Coding change: c.1874A>G on transcript NM_001111.5 (MANE Select); coding-DNA position 1874, A replaced by G.
Protein change: p.Lys625Arg; replaces lysine 625 with arginine.
Molecular consequence: missense variant.
Genome position (GRCh38, 1-based): chr1:154,597,888, T>C on the plus strand (A>G on the coding strand, the complement: ADAR is on the minus strand). VCF-style: chr1-154597888-T-C. GRCh37 (hg19) VCF-style: chr1-154570364-T-C.
Other names: c.989A>G, p.Lys330Arg (NM_001025107.3, NM_001193495.2, NM_001365046.1 and 3 more transcripts); c.1901A>G, p.Lys634Arg (NM_001365045.1); c.1874A>G, p.Lys625Arg (NM_015840.4, NM_015841.4); short protein forms K625R, K634R, K330R.
Identifiers: ClinVar variation 2923441 (VCV002923441.3), dbSNP rs2526605067, ClinGen allele CA342638699.

ClinVar aggregate classification (germline): Uncertain significance (1 of 4 stars; one submission).

Conditions:
Symmetrical dyschromatosis of extremities (DSH). Also called: DYSCHROMATOSIS SYMMETRICA HEREDITARIA 1; RETICULATE ACROPIGMENTATION OF DOHI; SYMMETRIC DYSCHROMATOSIS OF THE EXTREMITIES; Dyschromatosis symmetrica hereditaria. Identifiers: Orphanet 41, MedGen C0406775, MONDO:0007483, OMIM 127400.
Aicardi-Goutieres syndrome 6 (AGS6). Identifiers: Orphanet 51, MedGen C3539013, MONDO:0014007, OMIM 615010.

gnomAD v4.1: 2 of 1,614,126 alleles (0.00012%); highest among the groups gnomAD compares: South Asian, 0.0011%; no homozygotes.

Submission:

Labcorp Genetics (formerly Invitae), Labcorp
Classification: Uncertain significance for Aicardi-Goutieres syndrome 6; Symmetrical dyschromatosis of extremities. Last evaluated: 2023-06-20. Review status: criteria provided, single submitter. Criteria: Invitae Variant Classification Sherloc (09022015). Collection method: clinical testing. Allele origin: germline.
Comment: This sequence change replaces lysine, which is basic and polar, with arginine, which is basic and polar, at codon 625 of the ADAR protein (p.Lys625Arg). This variant is not present in population databases (gnomAD no frequency). This variant has not been reported in the literature in individuals affected with ADAR-related conditions. Advanced modeling of protein sequence and biophysical properties (such as structural, functional, and spatial information, amino acid conservation, physicochemical variation, residue mobility, and thermodynamic stability) performed at Invitae indicates that this missense variant is not expected to disrupt ADAR protein function. In summary, the available evidence is currently insufficient to determine the role of this variant in disease. Therefore, it has been classified as a Variant of Uncertain Significance.